The following is an entry in ClinVar:

ClinVar aggregate classification (germline): Uncertain significance (1 of 4 stars; one submission).

Submission:

Labcorp Genetics (formerly Invitae), Labcorp
Classification: Uncertain significance. Last evaluated: 2025-11-05. Review status: criteria provided, single submitter. Criteria: Invitae Variant Classification Sherloc (09022015). Collection method: clinical testing. Allele origin: germline.
Comment: This sequence change replaces serine, which is neutral and polar, with phenylalanine, which is neutral and non-polar, at codon 225 of the RAI1 protein (p.Ser225Phe). This variant is not present in population databases (gnomAD no frequency). This variant has not been reported in the literature in individuals affected with RAI1-related conditions. ClinVar contains an entry for this variant (Variation ID: 3655556). Invitae Evidence Modeling of protein sequence and biophysical properties (such as structural, functional, and spatial information, amino acid conservation, physicochemical variation, residue mobility, and thermodynamic stability) has been performed for this missense variant. However, the output from this modeling did not meet the statistical confidence thresholds required to predict the impact of this variant on RAI1 protein function. In summary, the available evidence is currently insufficient to determine the role of this variant in disease. Therefore, it has been classified as a Variant of Uncertain Significance.

NM_030665.4(RAI1):c.674C>T (p.Ser225Phe)

Gene: RAI1 (retinoic acid induced 1; plus strand). Cytogenetic location: 17p11.2.
Variant type: single nucleotide variant.
Coding change: c.674C>T on transcript NM_030665.4 (MANE Select); coding-DNA position 674, C replaced by T.
Protein change: p.Ser225Phe; replaces serine 225 with phenylalanine.
Molecular consequence: missense variant.
Genome position (GRCh38, 1-based): chr17:17,793,622, C>T. VCF-style: chr17-17793622-C-T. GRCh37 (hg19) VCF-style: chr17-17696936-C-T.
Other names: short protein forms S225F.
Identifiers: ClinVar variation 3655556 (VCV003655556.2).
Genomic context (GRCh38, chr17:17,793,622, plus strand): 5'-AGGGTACCCACTTTCCTCAGCATTCCCAGTCCTTCCCCACCTCCTCCACCTACTCCTCCT[C>T]TGTCCAGGGTGGTGGGCAGGGGGCCCACTCCTATAAGAGTTGCACAGCACCGACTGCCCA-3'
Protein context (NP_109590.3, residues 215-235): SFPTSSTYSS[Ser225Phe]VQGGGQGAHS